The following is an entry in ClinVar:

NM_024548.4(CEP97):c.404A>C (p.Asn135Thr)

Gene: CEP97 (centrosomal protein 97; plus strand). Cytogenetic location: 3q12.3.
Variant type: single nucleotide variant.
Coding change: c.404A>C on transcript NM_024548.4 (MANE Select); coding-DNA position 404, A replaced by C.
Protein change: p.Asn135Thr; replaces asparagine 135 with threonine.
Molecular consequence: missense variant. On other transcripts: intron variant (2).
Genome position (GRCh38, 1-based): chr3:101,728,894, A>C. VCF-style: chr3-101728894-A-C. GRCh37 (hg19) VCF-style: chr3-101447738-A-C.
Other names: c.404A>C, p.Asn135Thr (NM_001303401.2); c.345+1353A>C (NM_001410784.1, NM_001410785.1); short protein forms N135T.
Identifiers: ClinVar variation 4744870 (VCV004744870.1).
Genomic context (GRCh38, chr3:101,728,894, plus strand): 5'-AGGCCATGGAACAGATCAATAGCTGCACAGCTCTACAGCATCTCGATTTATCAGACAATA[A>C]TATATCCCAGATAGGTGATCTATCTAAATTGGTATCCCTGAAAGTAAGTATGTTTTCTTT-3'
Protein context (NP_078824.2, residues 125-145): ALQHLDLSDN[Asn135Thr]ISQIGDLSKL

ClinVar aggregate classification (germline): Uncertain significance (1 of 4 stars; one submission).

gnomAD v4.1: 1 of 1,605,180 alleles (0.000062%); highest among the groups gnomAD compares: African/African-American, 0.0013%; no homozygotes.

Submission:

Labcorp Genetics (formerly Invitae), Labcorp
Classification: Uncertain significance. Last evaluated: 2025-07-27. Review status: criteria provided, single submitter. Criteria: Invitae Variant Classification Sherloc (09022015). Collection method: clinical testing. Allele origin: germline.
Comment: This sequence change replaces asparagine, which is neutral and polar, with threonine, which is neutral and polar, at codon 135 of the CEP97 protein (p.Asn135Thr). This variant is not present in population databases (gnomAD no frequency). This variant has not been reported in the literature in individuals affected with CEP97-related conditions. Invitae Evidence Modeling of protein sequence and biophysical properties (such as structural, functional, and spatial information, amino acid conservation, physicochemical variation, residue mobility, and thermodynamic stability) indicates that this missense variant is expected to disrupt CEP97 protein function with a positive predictive value of 80%. In summary, the available evidence is currently insufficient to determine the role of this variant in disease. Therefore, it has been classified as a Variant of Uncertain Significance.